The following is an entry in ClinVar:

ClinVar aggregate classification (germline): Uncertain significance (1 of 4 stars; one submission).

Conditions:
Hereditary cancer-predisposing syndrome. Also called: Tumor predisposition; Neoplastic Syndromes, Hereditary; Hereditary Cancer Syndrome; Hereditary neoplastic syndrome. Identifiers: Orphanet 140162, MedGen C0027672, MeSH D009386, MONDO:0015356.

Submission:

Ambry Genetics
Classification: Uncertain significance for Hereditary cancer-predisposing syndrome. Last evaluated: 2024-08-03. Review status: criteria provided, single submitter. Criteria: Ambry Variant Classification Scheme 2023. Collection method: clinical testing. Allele origin: germline.
Comment: The p.Q87K variant (also known as c.259C>A), located in coding exon 3 of the FANCC gene, results from a C to A substitution at nucleotide position 259. The glutamine at codon 87 is replaced by lysine, an amino acid with similar properties. This amino acid position is conserved. In addition, the in silico prediction for this alteration is inconclusive. Based on the available evidence, the clinical significance of this variant remains unclear.

NM_000136.3(FANCC):c.259C>A (p.Gln87Lys)

Gene: FANCC (FA complementation group C; minus strand). Cytogenetic location: 9q22.32.
Variant type: single nucleotide variant.
Coding change: c.259C>A on transcript NM_000136.3 (MANE Select); coding-DNA position 259, C replaced by A.
Protein change: p.Gln87Lys; replaces glutamine 87 with lysine.
Molecular consequence: missense variant.
Genome position (GRCh38, 1-based): chr9:95,240,735, G>T on the plus strand (C>A on the coding strand, the complement: FANCC is on the minus strand). VCF-style: chr9-95240735-G-T. GRCh37 (hg19) VCF-style: chr9-98003017-G-T.
Other names: c.259C>A, p.Gln87Lys (NM_001243743.2, NM_001243744.2); short protein forms Q87K.
Identifiers: ClinVar variation 3512768 (VCV003512768.1).